The following is an entry in ClinVar:

ClinVar aggregate classification (germline): Uncertain significance (1 of 4 stars; one submission).

Submission:

Labcorp Genetics (formerly Invitae), Labcorp
Classification: Uncertain significance. Last evaluated: 2024-03-16. Review status: criteria provided, single submitter. Criteria: Invitae Variant Classification Sherloc (09022015). Collection method: clinical testing. Allele origin: germline.
Comment: This sequence change replaces isoleucine, which is neutral and non-polar, with threonine, which is neutral and polar, at codon 3625 of the USH2A protein (p.Ile3625Thr). This variant is not present in population databases (gnomAD no frequency). This variant has not been reported in the literature in individuals affected with USH2A-related conditions. Advanced modeling of protein sequence and biophysical properties (such as structural, functional, and spatial information, amino acid conservation, physicochemical variation, residue mobility, and thermodynamic stability) performed at Invitae indicates that this missense variant is not expected to disrupt USH2A protein function with a negative predictive value of 95%. In summary, the available evidence is currently insufficient to determine the role of this variant in disease. Therefore, it has been classified as a Variant of Uncertain Significance.

NM_206933.4(USH2A):c.10874T>C (p.Ile3625Thr)

Gene: USH2A (usherin; minus strand). Cytogenetic location: 1q41.
Variant type: single nucleotide variant.
Coding change: c.10874T>C on transcript NM_206933.4 (MANE Select); coding-DNA position 10874, T replaced by C.
Protein change: p.Ile3625Thr; replaces isoleucine 3625 with threonine.
Molecular consequence: missense variant.
Genome position (GRCh38, 1-based): chr1:215,779,908, A>G on the plus strand (T>C on the coding strand, the complement: USH2A is on the minus strand). VCF-style: chr1-215779908-A-G. GRCh37 (hg19) VCF-style: chr1-215953250-A-G.
Other names: short protein forms I3625T.
Identifiers: ClinVar variation 3633750 (VCV003633750.2).